The following is an entry in ClinVar:

NM_000093.5(COL5A1):c.4955-1G>C

Genes: COL5A1 (collagen type V alpha 1 chain; plus strand), LOC101448202 (uncharacterized LOC101448202; minus strand). Cytogenetic location: 9q34.3.
Variant type: single nucleotide variant.
Coding change: c.4955-1G>C on transcript NM_000093.5 (MANE Select); the canonical splice acceptor site of the intron before coding-DNA position 4955, G replaced by C.
Molecular consequence: splice acceptor variant.
Genome position (GRCh38, 1-based): chr9:134,825,791, G>C. VCF-style: chr9-134825791-G-C. GRCh37 (hg19) VCF-style: chr9-137717637-G-C.
Other names: c.4955-1G>C (NM_001278074.1).
Identifiers: ClinVar variation 2833306 (VCV002833306.3), dbSNP rs2490886144, ClinGen allele CA375458811.
Genomic context (GRCh38, chr9:134,825,791, plus strand): 5'-AACCATCCAGGGAGCAATCCTTCTGACTCTGCCTGCCTCCCTCCCCGTCTCTGAAATCCA[G>C]GTGAATACTGGGTCGATCCTAACCAAGGATGCTCCAGGGATTCCTTCAAGGTTTACTGCA-3'

ClinVar aggregate classification (germline): Likely pathogenic (1 of 4 stars; one submission).

Conditions:
Ehlers-Danlos syndrome, classic type, 1 (EDSCL1). Also called: EHLERS-DANLOS SYNDROME, GRAVIS TYPE; EHLERS-DANLOS SYNDROME, SEVERE CLASSIC TYPE; Ehlers-Danlos syndrome, type 1; Ehlers-Danlos Syndrome, Classic Type, COL5A1-Related; EDS I. Identifiers: MedGen C0268335, MONDO:0019567, OMIM 130000.

Submission:

Labcorp Genetics (formerly Invitae), Labcorp
Classification: Likely pathogenic for Ehlers-Danlos syndrome, classic type, 1. Last evaluated: 2023-01-31. Review status: criteria provided, single submitter. Criteria: Invitae Variant Classification Sherloc (09022015). Collection method: clinical testing. Allele origin: germline.
Comment: This sequence change affects an acceptor splice site in intron 62 of the COL5A1 gene. It is expected to disrupt RNA splicing. Variants that disrupt the donor or acceptor splice site typically lead to a loss of protein function (PMID: 16199547), and loss-of-function variants in COL5A1 are known to be pathogenic (PMID: 23587214). This variant is not present in population databases (gnomAD no frequency). In summary, the currently available evidence indicates that the variant is pathogenic, but additional data are needed to prove that conclusively. Therefore, this variant has been classified as Likely Pathogenic. Algorithms developed to predict the effect of sequence changes on RNA splicing suggest that this variant may disrupt the consensus splice site. This variant has not been reported in the literature in individuals affected with COL5A1-related conditions.

Literature cited by the submitters: PubMed 16199547; PubMed 23587214.